The following is an entry in ClinVar:

NM_000400.4(ERCC2):c.700G>C (p.Asp234His)

Gene: ERCC2 (ERCC excision repair 2, TFIIH core complex helicase subunit; minus strand). Cytogenetic location: 19q13.32.
Variant type: single nucleotide variant.
Coding change: c.700G>C on transcript NM_000400.4 (MANE Select); coding-DNA position 700, G replaced by C.
Protein change: p.Asp234His; replaces aspartic acid 234 with histidine.
Molecular consequence: missense variant.
Genome position (GRCh38, 1-based): chr19:45,364,442, C>G on the plus strand (G>C on the coding strand, the complement: ERCC2 is on the minus strand). VCF-style: chr19-45364442-C-G. GRCh37 (hg19) VCF-style: chr19-45867700-C-G.
Other names: c.628G>C, p.Asp210His (NM_001130867.2); short protein forms D234H, D210H.
Identifiers: ClinVar variation 1756680 (VCV001756680.2), dbSNP rs1340806384, ClinGen allele CA406374308.

ClinVar aggregate classification (germline): Uncertain significance (1 of 4 stars; one submission).

Conditions:
Inborn genetic diseases. Identifiers: MedGen C0950123, MeSH D030342.

gnomAD v4.1: 1 of 1,613,948 alleles (0.000062%); highest among the groups gnomAD compares: Non-Finnish European, 0.000085%; no homozygotes.

Submission:

Ambry Genetics
Classification: Uncertain significance for Inborn genetic diseases. Last evaluated: 2021-09-16. Review status: criteria provided, single submitter. Criteria: Ambry Variant Classification Scheme 2023. Collection method: clinical testing. Allele origin: germline.
Comment: The p.D234H variant (also known as c.700G>C), located in coding exon 8 of the ERCC2 gene, results from a G to C substitution at nucleotide position 700. The aspartic acid at codon 234 is replaced by histidine, an amino acid with similar properties. This amino acid position is conserved. In addition, this alteration is predicted to be deleterious by in silico analysis. Since supporting evidence is limited at this time, the clinical significance of this alteration remains unclear.